The following is an entry in ClinVar:

ClinVar aggregate classification (germline): Uncertain significance (1 of 4 stars; one submission).

Conditions:
Sulfite oxidase deficiency due to molybdenum cofactor deficiency type A. Also called: Molybdenum Cofactor Deficiency A; Molybdenum cofactor deficiency, complementation group A. Identifiers: Orphanet 308386, Orphanet 833, MedGen C1854988, MONDO:0009643, OMIM 252150.

Allele frequency attached by ClinVar (database versions not stated): gnomAD 0.00001; gnomAD exomes 0.00001; ESP Exome Variant Server 0.00008.

Submission:

Labcorp Genetics (formerly Invitae), Labcorp
Classification: Uncertain significance for Sulfite oxidase deficiency due to molybdenum cofactor deficiency type A. Last evaluated: 2022-05-19. Review status: criteria provided, single submitter. Criteria: Invitae Variant Classification Sherloc (09022015). Collection method: clinical testing. Allele origin: germline.
Comment: This sequence change replaces arginine, which is basic and polar, with tryptophan, which is neutral and slightly polar, at codon 584 of the MOCS1 protein (p.Arg584Trp). This variant is present in population databases (rs111379764, gnomAD 0.006%). This variant has not been reported in the literature in individuals affected with MOCS1-related conditions. Algorithms developed to predict the effect of missense changes on protein structure and function output the following: SIFT: "Not Available"; PolyPhen-2: "Benign"; Align-GVGD: "Not Available". The tryptophan amino acid residue is found in multiple mammalian species, which suggests that this missense change does not adversely affect protein function. In summary, the available evidence is currently insufficient to determine the role of this variant in disease. Therefore, it has been classified as a Variant of Uncertain Significance.

NM_001358530.2(MOCS1):c.1750C>T (p.Arg584Trp)

Gene: MOCS1 (molybdenum cofactor synthesis 1; minus strand). Cytogenetic location: 6p21.2.
Variant type: single nucleotide variant.
Coding change: c.1750C>T on transcript NM_001358530.2 (MANE Select); coding-DNA position 1750, C replaced by T.
Protein change: p.Arg584Trp; replaces arginine 584 with tryptophan.
Molecular consequence: missense variant. On other transcripts: 3 prime UTR variant (4), non-coding transcript variant (1).
Genome position (GRCh38, 1-based): chr6:39,906,518, G>A on the plus strand (C>T on the coding strand, the complement: MOCS1 is on the minus strand). VCF-style: chr6-39906518-G-A. GRCh37 (hg19) VCF-style: chr6-39874294-G-A.
Other names: c.*607C>T (NM_001075098.4, NM_001358533.2, NM_001358534.2 and 1 more transcripts); c.1702C>T, p.Arg568Trp (NM_001358529.2); c.1489C>T, p.Arg497Trp (NM_001358531.2); short protein forms R568W, R584W, R497W.
Identifiers: ClinVar variation 1977955 (VCV001977955.2), dbSNP rs111379764, ClinGen allele CA137647209.